The following is an entry in ClinVar:

NM_004725.4(BUB3):c.71C>G (p.Pro24Arg)

Genes: BUB3 (BUB3 mitotic checkpoint protein; plus strand), LOC130004885 (ATAC-STARR-seq lymphoblastoid active region 4151; plus strand). Cytogenetic location: 10q26.13.
Variant type: single nucleotide variant.
Coding change: c.71C>G on transcript NM_004725.4 (MANE Select); coding-DNA position 71, C replaced by G.
Protein change: p.Pro24Arg; replaces proline 24 with arginine.
Molecular consequence: missense variant.
Genome position (GRCh38, 1-based): chr10:123,154,988, C>G. VCF-style: chr10-123154988-C-G. GRCh37 (hg19) VCF-style: chr10-124914504-C-G.
Other names: c.71C>G, p.Pro24Arg (NM_001007793.3); short protein forms P24R.
Identifiers: ClinVar variation 1757646 (VCV001757646.2), dbSNP rs2493755277, ClinGen allele CA378624883.

ClinVar aggregate classification (germline): Uncertain significance (1 of 4 stars; one submission).

Submission:

Ambry Genetics
Classification: Uncertain significance. Last evaluated: 2021-08-29. Review status: criteria provided, single submitter. Criteria: Ambry Variant Classification Scheme 2023. Collection method: clinical testing. Allele origin: germline.
Comment: The p.P24R variant (also known as c.71C>G), located in coding exon 1 of the BUB3 gene, results from a C to G substitution at nucleotide position 71. The proline at codon 24 is replaced by arginine, an amino acid with dissimilar properties. This amino acid position is conserved. In addition, this alteration is predicted to be deleterious by in silico analysis. Since supporting evidence is limited at this time, the clinical significance of this alteration remains unclear.